The following is an entry in ClinVar:

ClinVar aggregate classification (germline): Uncertain significance (1 of 4 stars; one submission).

Allele frequency attached by ClinVar (database versions not stated): gnomAD exomes below 0.00001; gnomAD 0.00001; 1000 Genomes Project 0.00020; 1000 Genomes Project 30x 0.00031.
gnomAD v4.1: 3 of 1,613,926 alleles (0.00019%); highest among the groups gnomAD compares: East Asian, 0.0045%; no homozygotes.

Submission:

Labcorp Genetics (formerly Invitae), Labcorp
Classification: Uncertain significance. Last evaluated: 2021-09-01. Review status: criteria provided, single submitter. Criteria: Invitae Variant Classification Sherloc (09022015). Collection method: clinical testing. Allele origin: germline.
Comment: This sequence change replaces alanine with glutamic acid at codon 3405 of the USH2A protein (p.Ala3405Glu). The alanine residue is moderately conserved and there is a moderate physicochemical difference between alanine and glutamic acid. This variant is not present in population databases (ExAC no frequency). This variant has not been reported in the literature in individuals affected with USH2A-related conditions. Algorithms developed to predict the effect of missense changes on protein structure and function (SIFT, PolyPhen-2, Align-GVGD) all suggest that this variant is likely to be tolerated. In summary, the available evidence is currently insufficient to determine the role of this variant in disease. Therefore, it has been classified as a Variant of Uncertain Significance.

NM_206933.4(USH2A):c.10214C>A (p.Ala3405Glu)

Gene: USH2A (usherin; minus strand). Cytogenetic location: 1q41.
Variant type: single nucleotide variant.
Coding change: c.10214C>A on transcript NM_206933.4 (MANE Select); coding-DNA position 10214, C replaced by A.
Protein change: p.Ala3405Glu; replaces alanine 3405 with glutamic acid.
Molecular consequence: missense variant.
Genome position (GRCh38, 1-based): chr1:215,786,843, G>T on the plus strand (C>A on the coding strand, the complement: USH2A is on the minus strand). VCF-style: chr1-215786843-G-T. GRCh37 (hg19) VCF-style: chr1-215960185-G-T.
Other names: short protein forms A3405E.
Identifiers: ClinVar variation 1348680 (VCV001348680.5), dbSNP rs547497252, ClinGen allele CA37441059.